The following is an entry in ClinVar:

NM_021784.5(FOXA2):c.383G>A (p.Gly128Asp)

Gene: FOXA2 (forkhead box A2; minus strand). Cytogenetic location: 20p11.21.
Variant type: single nucleotide variant.
Coding change: c.383G>A on transcript NM_021784.5 (MANE Select); coding-DNA position 383, G replaced by A.
Protein change: p.Gly128Asp; replaces glycine 128 with aspartic acid.
Molecular consequence: missense variant.
Genome position (GRCh38, 1-based): chr20:22,582,859, C>T on the plus strand (G>A on the coding strand, the complement: FOXA2 is on the minus strand). VCF-style: chr20-22582859-C-T. GRCh37 (hg19) VCF-style: chr20-22563497-C-T.
Other names: c.365G>A, p.Gly122Asp (NM_153675.3); short protein forms G122D, G128D.
Identifiers: ClinVar variation 4699080 (VCV004699080.1).

ClinVar aggregate classification (germline): Uncertain significance (1 of 4 stars; one submission).

gnomAD v4.1: 2 of 1,586,324 alleles (0.00013%); highest among the groups gnomAD compares: Non-Finnish European, 0.00017%; no homozygotes.

Submission:

Labcorp Genetics (formerly Invitae), Labcorp
Classification: Uncertain significance. Last evaluated: 2025-10-16. Review status: criteria provided, single submitter. Criteria: Invitae Variant Classification Sherloc (09022015). Collection method: clinical testing. Allele origin: germline.
Comment: This sequence change replaces glycine, which is neutral and non-polar, with aspartic acid, which is acidic and polar, at codon 128 of the FOXA2 protein (p.Gly128Asp). This variant is not present in population databases (gnomAD no frequency). This variant has not been reported in the literature in individuals affected with FOXA2-related conditions. An algorithm developed to predict the effect of missense changes on protein structure and function (PolyPhen-2) suggests that this variant is likely to be tolerated. In summary, the available evidence is currently insufficient to determine the role of this variant in disease. Therefore, it has been classified as a Variant of Uncertain Significance.